The following is an entry in ClinVar:

NM_003038.5(SLC1A4):c.1521G>A (p.Ser507=)

Gene: SLC1A4 (solute carrier family 1 member 4; plus strand). Cytogenetic location: 2p14.
Variant type: single nucleotide variant.
Coding change: c.1521G>A on transcript NM_003038.5 (MANE Select); coding-DNA position 1521, G replaced by A.
Protein change: p.Ser507=; no amino-acid change (serine 507 retained).
Molecular consequence: synonymous variant.
Genome position (GRCh38, 1-based): chr2:65,021,068, G>A. VCF-style: chr2-65021068-G-A. GRCh37 (hg19) VCF-style: chr2-65248202-G-A.
Other names: c.627G>A, p.Ser209= (NM_001193493.2); c.861G>A, p.Ser287= (NM_001348406.2, NM_001348407.2).
Identifiers: ClinVar variation 731303 (VCV000731303.41), dbSNP rs147582026, ClinGen allele CA1686198.

ClinVar aggregate classification (germline): Benign/Likely benign. Review status: criteria provided, multiple submitters, no conflicts (2 of 4 stars). 3 submissions from 3 submitters: Benign (1); Likely benign (2). Last evaluated 2026-03-01.

Allele frequency attached by ClinVar (database versions not stated): ESP Exome Variant Server 0.00038; TOPMed 0.00042; 1000 Genomes Project 30x 0.00047; 1000 Genomes Project 0.00060; gnomAD exomes 0.00060 and 0.00101; ExAC 0.00087; gnomAD 0.00088 and 0.00092.
gnomAD v4.1: 1,018 of 1,614,208 alleles (0.063%); highest among the groups gnomAD compares: Non-Finnish European, 0.045%; 4 homozygotes.

Submissions (3):

CeGaT Center for Human Genetics Tuebingen
Classification: Likely benign. Last evaluated: 2026-03-01. Review status: criteria provided, single submitter. Criteria: CeGaT Center For Human Genetics Tuebingen Variant Classification Criteria Version 2. Collection method: clinical testing. Allele origin: germline. Affected: yes. Observed: 3 variant alleles.
Comment: SLC1A4: BP4, BP7

Labcorp Genetics (formerly Invitae), Labcorp
Classification: Benign. Last evaluated: 2026-01-19. Review status: criteria provided, single submitter. Criteria: Invitae Variant Classification Sherloc (09022015). Collection method: clinical testing. Allele origin: germline.

Blueprint Genetics
Classification: Likely benign. Last evaluated: 2024-11-05. Review status: criteria provided, single submitter. Criteria: ACMG Guidelines, 2015. Collection method: clinical testing. Allele origin: germline.